The following is an entry in ClinVar:

ClinVar aggregate classification (germline): Uncertain significance. Review status: criteria provided, multiple submitters, no conflicts (2 of 4 stars). 2 submissions from 2 submitters: Uncertain significance (2). Last evaluated 2026-03-12.

Conditions:
Inborn genetic diseases. Identifiers: MedGen C0950123, MeSH D030342.
Mosaic variegated aneuploidy syndrome 2 (MVA2). Identifiers: Orphanet 1052, MedGen C3279843, MONDO:0013582, OMIM 614114.

Allele frequency attached by ClinVar (database versions not stated): gnomAD 0.00001 and 0.00002; TOPMed 0.00001.
gnomAD v4.1: 4 of 1,614,030 alleles (0.00025%); highest among the groups gnomAD compares: Non-Finnish European, 0.00034%; no homozygotes.

Submissions (2):

Ambry Genetics
Classification: Uncertain significance for Inborn genetic diseases. Last evaluated: 2026-03-12. Review status: criteria provided, single submitter. Criteria: Ambry Variant Classification Scheme 2023. Collection method: clinical testing. Allele origin: germline.
Comment: The p.N306K variant (also known as c.918T>A), located in coding exon 9 of the CEP57 gene, results from a T to A substitution at nucleotide position 918. The asparagine at codon 306 is replaced by lysine, an amino acid with similar properties. This amino acid position is conserved. In addition, this alteration is predicted to be tolerated by in silico analysis. Based on the available evidence, the clinical significance of this variant remains unclear.

Labcorp Genetics (formerly Invitae), Labcorp
Classification: Uncertain significance for Mosaic variegated aneuploidy syndrome 2. Last evaluated: 2019-02-25. Review status: criteria provided, single submitter. Criteria: Invitae Variant Classification Sherloc (09022015). Collection method: clinical testing. Allele origin: germline.
Comment: This variant is not present in population databases (ExAC no frequency). This sequence change replaces asparagine with lysine at codon 306 of the CEP57 protein (p.Asn306Lys). The asparagine residue is highly conserved and there is a moderate physicochemical difference between asparagine and lysine. This variant has not been reported in the literature in individuals with CEP57-related conditions. Algorithms developed to predict the effect of missense changes on protein structure and function (SIFT, PolyPhen-2, Align-GVGD) all suggest that this variant is likely to be disruptive, but these predictions have not been confirmed by published functional studies and their clinical significance is uncertain. In summary, the available evidence is currently insufficient to determine the role of this variant in disease. Therefore, it has been classified as a Variant of Uncertain Significance.

NM_014679.5(CEP57):c.918T>A (p.Asn306Lys)

Gene: CEP57 (centrosomal protein 57; plus strand). Cytogenetic location: 11q21.
Variant type: single nucleotide variant.
Coding change: c.918T>A on transcript NM_014679.5 (MANE Select); coding-DNA position 918, T replaced by A.
Protein change: p.Asn306Lys; replaces asparagine 306 with lysine.
Molecular consequence: missense variant.
Genome position (GRCh38, 1-based): chr11:95,827,818, T>A. VCF-style: chr11-95827818-T-A. GRCh37 (hg19) VCF-style: chr11-95560982-T-A.
Other names: c.891T>A, p.Asn297Lys (NM_001243776.2); c.840T>A, p.Asn280Lys (NM_001243777.2); c.837T>A, p.Asn279Lys (NM_001363604.2); short protein forms N306K, N280K, N279K, N297K.
Identifiers: ClinVar variation 863400 (VCV000863400.11), dbSNP rs984460249, ClinGen allele CA226586206.